The following is an entry in ClinVar:

ClinVar aggregate classification (germline): Uncertain significance (1 of 4 stars; one submission).

Conditions:
Cardiomyopathy (CMYO). Also called: Cardiomyopathies. Identifiers: Orphanet 167848, MedGen C0878544, MONDO:0004994, HP:0001638. Inheritance: Various modes of inheritance.

Submission:

Color Diagnostics, LLC DBA Color Health
Classification: Uncertain significance for Cardiomyopathy. Last evaluated: 2023-12-05. Review status: criteria provided, single submitter. Criteria: ACMG Guidelines, 2015. Collection method: clinical testing. Allele origin: germline.
Comment: This missense variant replaces arginine with glycine at codon 2075 of the DSP protein. Computational prediction tools and conservation analyses are inconclusive regarding the impact of this variant on the protein function. Computational splicing tools suggest that this variant may not impact RNA splicing. To our knowledge, functional assays have not been performed for this variant nor has this variant been reported in individuals affected with cardiovascular disorders in the literature. This variant has not been identified in the general population by the Genome Aggregation Database (gnomAD). Available evidence is insufficient to determine the role of this variant in disease conclusively. Therefore, this variant is classified as a Variant of Uncertain Significance.

NM_004415.4(DSP):c.6223C>G (p.Arg2075Gly)

Gene: DSP (desmoplakin; plus strand). Cytogenetic location: 6p24.3.
Variant type: single nucleotide variant.
Coding change: c.6223C>G on transcript NM_004415.4 (MANE Select); coding-DNA position 6223, C replaced by G.
Protein change: p.Arg2075Gly; replaces arginine 2075 with glycine.
Molecular consequence: missense variant.
Genome position (GRCh38, 1-based): chr6:7,583,485, C>G. VCF-style: chr6-7583485-C-G. GRCh37 (hg19) VCF-style: chr6-7583718-C-G.
Other names: c.4426C>G, p.Arg1476Gly (NM_001008844.3); c.4894C>G, p.Arg1632Gly (NM_001319034.2); short protein forms R1476G, R1632G, R2075G.
Identifiers: ClinVar variation 919194 (VCV000919194.5), dbSNP rs751050235, ClinGen allele CA362690338.
Genomic context (GRCh38, chr6:7,583,485, plus strand): 5'-ACAGGTGGTATAATTGATCCCCATCGGAATGAGAAGCTGACTGTCGACAGTGCCATAGCT[C>G]GGGACCTCATTGACTTCGATGACCGTCAGCAGATATATGCAGCAGAAAAAGCTATCACTG-3'
Protein context (NP_004406.2, residues 2065-2085): EKLTVDSAIA[Arg2075Gly]DLIDFDDRQQ